The following is an entry in ClinVar:

ClinVar aggregate classification (germline): Uncertain significance. Review status: criteria provided, multiple submitters, no conflicts (2 of 4 stars). 2 submissions from 2 submitters: Uncertain significance (2). Last evaluated 2022-06-15.

Allele frequency attached by ClinVar (database versions not stated): gnomAD exomes below 0.00001 and 0.00001; ExAC 0.00001; gnomAD 0.00006; TOPMed 0.00006.
gnomAD v4.1: 17 of 1,613,480 alleles (0.0011%); highest among the groups gnomAD compares: African/African-American, 0.023%; no homozygotes.

Submissions (2):

Labcorp Genetics (formerly Invitae), Labcorp
Classification: Uncertain significance. Last evaluated: 2022-06-15. Review status: criteria provided, single submitter. Criteria: Invitae Variant Classification Sherloc (09022015). Collection method: clinical testing. Allele origin: germline.
Comment: This sequence change replaces alanine, which is neutral and non-polar, with serine, which is neutral and polar, at codon 351 of the PDE6A protein (p.Ala351Ser). This variant is present in population databases (rs768196089, gnomAD 0.01%). This variant has not been reported in the literature in individuals affected with PDE6A-related conditions. Algorithms developed to predict the effect of missense changes on protein structure and function are either unavailable or do not agree on the potential impact of this missense change (SIFT: "Tolerated"; PolyPhen-2: "Probably Damaging"; Align-GVGD: "Class C0"). In summary, the available evidence is currently insufficient to determine the role of this variant in disease. Therefore, it has been classified as a Variant of Uncertain Significance.

Blueprint Genetics
Classification: Uncertain significance. Last evaluated: 2022-04-18. Review status: criteria provided, single submitter. Criteria: ACMG Guidelines, 2015. Collection method: clinical testing. Allele origin: germline.

NM_000440.3(PDE6A):c.1051G>T (p.Ala351Ser)

Gene: PDE6A (phosphodiesterase 6A; minus strand). Cytogenetic location: 5q32.
Variant type: single nucleotide variant.
Coding change: c.1051G>T on transcript NM_000440.3 (MANE Select); coding-DNA position 1051, G replaced by T.
Protein change: p.Ala351Ser; replaces alanine 351 with serine.
Molecular consequence: missense variant.
Genome position (GRCh38, 1-based): chr5:149,907,326, C>A on the plus strand (G>T on the coding strand, the complement: PDE6A is on the minus strand). VCF-style: chr5-149907326-C-A. GRCh37 (hg19) VCF-style: chr5-149286889-C-A.
Other names: short protein forms A351S.
Identifiers: ClinVar variation 1506849 (VCV001506849.6), dbSNP rs768196089, ClinGen allele CA3504824.
Genomic context (GRCh38, chr5:149,907,326, plus strand): 5'-TTCCACGTGATCCAAAACTCTCCCCCTTCAAAGTTATATTACTTACCAGGCCATTCTGGG[C>A]AACATAAGCTGGGAGACCGCTTACTAAAGCCCAATGGTCAGGAGGTGGATTCCTGTGAAG-3'
Protein context (NP_000431.2, residues 341-361): ALVSGLPAYV[Ala351Ser]QNGLICNIMN